The following is an entry in ClinVar:

ClinVar aggregate classification (germline): Uncertain significance (1 of 4 stars; one submission).

Submission:

Labcorp Genetics (formerly Invitae), Labcorp
Classification: Uncertain significance. Last evaluated: 2025-06-10. Review status: criteria provided, single submitter. Criteria: Invitae Variant Classification Sherloc (09022015). Collection method: clinical testing. Allele origin: germline.
Comment: This sequence change replaces glycine, which is neutral and non-polar, with arginine, which is basic and polar, at codon 1265 of the HIVEP2 protein (p.Gly1265Arg). This variant is not present in population databases (gnomAD no frequency). This variant has not been reported in the literature in individuals affected with HIVEP2-related conditions. An algorithm developed to predict the effect of missense changes on protein structure and function (PolyPhen-2) suggests that this variant is likely to be tolerated. In summary, the available evidence is currently insufficient to determine the role of this variant in disease. Therefore, it has been classified as a Variant of Uncertain Significance.

NM_006734.4(HIVEP2):c.3793G>A (p.Gly1265Arg)

Gene: HIVEP2 (HIVEP zinc finger 2; minus strand). Cytogenetic location: 6q24.2.
Variant type: single nucleotide variant.
Coding change: c.3793G>A on transcript NM_006734.4 (MANE Select); coding-DNA position 3793, G replaced by A.
Protein change: p.Gly1265Arg; replaces glycine 1265 with arginine.
Molecular consequence: missense variant.
Genome position (GRCh38, 1-based): chr6:142,770,946, C>T on the plus strand (G>A on the coding strand, the complement: HIVEP2 is on the minus strand). VCF-style: chr6-142770946-C-T. GRCh37 (hg19) VCF-style: chr6-143092083-C-T.
Other names: c.3793G>A, p.Gly1265Arg (NM_001438449.1, NM_001438450.1, NM_001438451.1); short protein forms G1265R.
Identifiers: ClinVar variation 4762554 (VCV004762554.1).